The following is an entry in ClinVar:

NM_000038.6(APC):c.2876C>T (p.Ser959Phe)

Gene: APC (APC regulator of Wnt signaling pathway; plus strand). Cytogenetic location: 5q22.2.
Variant type: single nucleotide variant.
Coding change: c.2876C>T on transcript NM_000038.6 (MANE Select); coding-DNA position 2876, C replaced by T.
Protein change: p.Ser959Phe; replaces serine 959 with phenylalanine.
Molecular consequence: missense variant.
Genome position (GRCh38, 1-based): chr5:112,838,470, C>T. VCF-style: chr5-112838470-C-T. GRCh37 (hg19) VCF-style: chr5-112174167-C-T.
Other names: c.2876C>T, p.Ser959Phe (NM_001127510.3, NM_001354895.2); c.2822C>T, p.Ser941Phe (NM_001127511.3); c.2930C>T, p.Ser977Phe (NM_001354896.2); c.2906C>T, p.Ser969Phe (NM_001354897.2); c.2801C>T, p.Ser934Phe (NM_001354898.2); c.2792C>T, p.Ser931Phe (NM_001354899.2); c.2753C>T, p.Ser918Phe (NM_001354900.2); c.2699C>T, p.Ser900Phe (NM_001354901.2); and 5 more; short protein forms S941F, S959F, S900F, S676F, S868F, S799F, S858F, S918F.
Identifiers: ClinVar variation 411384 (VCV000411384.28), dbSNP rs757526267, ClinGen allele CA16027607.
Genomic context (GRCh38, chr5:112,838,470, plus strand): 5'-AGTCGGAAAATTCAAATAGGACATGTTCTATGCCTTATGCCAAATTAGAATACAAGAGAT[C>T]TTCAAATGATAGTTTAAATAGTGTCAGTAGTAGTGATGGTTATGGTAAAAGAGGTCAAAT-3'
Protein context (NP_000029.2, residues 949-969): MPYAKLEYKR[Ser959Phe]SNDSLNSVSS

ClinVar aggregate classification (germline): Uncertain significance. Review status: criteria provided, multiple submitters, no conflicts (2 of 4 stars). 9 submissions from 9 submitters: Uncertain significance (9). Last evaluated 2026-04-28.

Conditions:
Hereditary cancer-predisposing syndrome. Also called: Hereditary Cancer Syndrome; Tumor predisposition; Hereditary neoplastic syndrome; Neoplastic Syndromes, Hereditary. Identifiers: Orphanet 140162, MedGen C0027672, MeSH D009386, MONDO:0015356.
Classic or attenuated familial adenomatous polyposis. Identifiers: MedGen CN372698, MONDO:0021057.
Familial adenomatous polyposis 1 (FAP1). Also called: FAMILIAL ADENOMATOUS POLYPOSIS 1, ATTENUATED; POLYPOSIS, ADENOMATOUS INTESTINAL. Identifiers: MedGen C2713442, MONDO:0021056, OMIM 175100. Disease mechanism: loss of function.

Allele frequency attached by ClinVar (database versions not stated): gnomAD 0.00001; TOPMed 0.00001.
gnomAD v4.1: 4 of 1,614,046 alleles (0.00025%); highest among the groups gnomAD compares: Non-Finnish European, 0.00034%; no homozygotes.

Submissions (9):

Ambry Genetics
Classification: Uncertain significance for Hereditary cancer-predisposing syndrome. Last evaluated: 2026-04-28. Review status: criteria provided, single submitter. Criteria: Ambry Variant Classification Scheme 2023. Collection method: clinical testing. Allele origin: germline.
Comment: The p.S959F variant (also known as c.2876C>T), located in coding exon 15 of the APC gene, results from a C to T substitution at nucleotide position 2876. The serine at codon 959 is replaced by phenylalanine, an amino acid with highly dissimilar properties. Of note, it co-occurred with a BRCA1 mutation "c.G131T (p.C44F)" in this individual (Jalkh N et al. BMC Med Genomics 2017 02;10:8). This amino acid position is well conserved in available vertebrate species. In addition, in silico predictors for this gene do not accurately predict pathogenicity. Missense alterations in APC are not a common cause of disease (Spier I et al. Genet Med. 2024 Feb;26(2):100992). Based on the available evidence, the clinical significance of this variant remains unclear.

Labcorp Genetics (formerly Invitae), Labcorp
Classification: Uncertain significance for Familial adenomatous polyposis 1. Last evaluated: 2025-11-10. Review status: criteria provided, single submitter. Criteria: Invitae Variant Classification Sherloc (09022015). Collection method: clinical testing. Allele origin: germline.
Comment: This sequence change replaces serine, which is neutral and polar, with phenylalanine, which is neutral and non-polar, at codon 959 of the APC protein (p.Ser959Phe). This variant is not present in population databases (gnomAD no frequency). This missense change has been observed in individual(s) with breast cancer (PMID: 28202063). ClinVar contains an entry for this variant (Variation ID: 411384). Invitae Evidence Modeling of protein sequence and biophysical properties (such as structural, functional, and spatial information, amino acid conservation, physicochemical variation, residue mobility, and thermodynamic stability) indicates that this missense variant is not expected to disrupt APC protein function with a negative predictive value of 95%. In summary, the available evidence is currently insufficient to determine the role of this variant in disease. Therefore, it has been classified as a Variant of Uncertain Significance.

Color Diagnostics, LLC DBA Color Health
Classification: Uncertain significance for Hereditary cancer-predisposing syndrome. Last evaluated: 2025-03-17. Review status: criteria provided, single submitter. Criteria: ACMG Guidelines, 2015. Collection method: clinical testing. Allele origin: germline.
Comment: This missense variant replaces serine with phenylalanine at codon 959 of the APC protein. Computational prediction suggests that this variant may not impact protein structure and function. To our knowledge, functional studies have not been reported for this variant. This variant has not been reported in individuals affected with APC-related disorders in the literature. This variant has not been identified in the general population by the Genome Aggregation Database (gnomAD). The available evidence is insufficient to determine the role of this variant in disease conclusively. Therefore, this variant is classified as a Variant of Uncertain Significance.

Molecular Pathology, Peter Maccallum Cancer Centre
Classification: Uncertain significance for Familial adenomatous polyposis 1. Last evaluated: 2025-03-06. Review status: criteria provided, single submitter. Criteria: ACMG Guidelines, 2015. Collection method: clinical testing. Allele origin: germline. Inheritance: Autosomal dominant inheritance.

GeneDx
Classification: Uncertain significance. Last evaluated: 2024-12-06. Review status: criteria provided, single submitter. Criteria: GeneDx Variant Classification Process June 2021. Collection method: clinical testing. Allele origin: germline. Affected: yes.
Comment: Not observed at significant frequency in large population cohorts (gnomAD); In silico analysis indicates that this missense variant does not alter protein structure/function; This variant is associated with the following publications: (PMID: 28202063)

All of Us Research Program, National Institutes of Health
Classification: Uncertain significance for Classic or attenuated familial adenomatous polyposis. Last evaluated: 2024-08-06. Review status: criteria provided, single submitter. Criteria: ACMG Guidelines, 2015. Collection method: clinical testing. Allele origin: germline. Inheritance: Autosomal dominant inheritance. Observed: 3 variant alleles, 3 heterozygotes.
Comment: This missense variant replaces serine with phenylalanine at codon 959 of the APC protein. Computational prediction is inconclusive regarding the impact of this variant on protein structure and function (internally defined REVEL score threshold 0.5 < inconclusive < 0.7, PMID: 27666373). To our knowledge, functional studies have not been reported for this variant. This variant has been reported to co-occur with BRCA1 p.Cys44Phe in an individual with a personal and family history of breast cancer (PMID: 28202063). This variant has not been identified in the general population by the Genome Aggregation Database (gnomAD). The available evidence is insufficient to determine the role of this variant in disease conclusively. Therefore, this variant is classified as a Variant of Uncertain Significance.

This study involves interpretation of variants in research participants for the purpose of population health screening. Participant phenotype was not available at the time of variant classification. Additional details can be found in publication PMID: 35346344, PMCID: PMC8962531

Women's Health and Genetics/Laboratory Corporation of America, LabCorp
Classification: Uncertain significance. Last evaluated: 2024-03-25. Review status: criteria provided, single submitter. Criteria: LabCorp Variant Classification Summary - May 2015. Collection method: clinical testing. Allele origin: germline.
Comment: Variant summary: APC c.2876C>T (p.Ser959Phe) results in a non-conservative amino acid change in the encoded protein sequence. Four of five in-silico tools predict a damaging effect of the variant on protein function. The variant was absent in 250910 control chromosomes. The available data on variant occurrences in the general population are insufficient to allow any conclusion about variant significance. c.2876C>T has been reported in the literature in one individual with a personal and family history of breast cancer (e.g. Jalkh_2017). However, the individual also possessed variants in BRCA1 (p.C44F) and PRF1 (p.M1I), with the BRCA1 variant being pathogenic, making the effect of the APC variant unclear for that tested phenotype. This report does not provide unequivocal conclusions about association of the variant with Familial Adenomatous Polyposis. To our knowledge, no experimental evidence demonstrating an impact on protein function has been reported. The following publication have been ascertained in the context of this evaluation (PMID: 28202063). ClinVar contains an entry for this variant (Variation ID: 411384). Based on the evidence outlined above, the variant was classified as uncertain significance.

Sema4
Classification: Uncertain significance for Hereditary cancer-predisposing syndrome. Last evaluated: 2022-03-12. Review status: criteria provided, single submitter. Criteria: Sema4 Curation Guidelines. Collection method: curation. Allele origin: germline.
Comment: The APC c.2876C>T (p.S959F) variant has been reported in heterozygosity in at least one individual with breast cancer. Of note, this individual also carried a BRCA1 pathogenic variant, which likely explains the phenotype (PMID: 28202063). It was not observed in the large and broad cohorts of the Genome Aggregation Database (PMID: 32461654). This variant has been reported in ClinVar (Variation ID: 411384). Functional studies have not been performed, and in silico predictions of the variant's effect on protein function are inconclusive. The evidence is insufficient to meet ACMG/AMP criteria for classifying the variant as benign or pathogenic. Thus, the clinical significance of this variant is currently uncertain.

Quest Diagnostics Nichols Institute San Juan Capistrano
Classification: Uncertain significance. Last evaluated: 2018-05-25. Review status: criteria provided, single submitter. Criteria: Quest Diagnostics criteria. Collection method: clinical testing. Allele origin: germline.

Literature cited by the submitters: PubMed 28202063 (cited by 5 submitters).